The following is an entry in ClinVar:

NM_001365951.3(KIF1B):c.2115+6581G>A

Gene: KIF1B (kinesin family member 1B; plus strand). Cytogenetic location: 1p36.22.
Variant type: single nucleotide variant.
Coding change: c.2115+6581G>A on transcript NM_001365951.3 (MANE Select); 6581 bases into the intron after coding-DNA position 2115, G replaced by A.
Molecular consequence: intron variant. On other transcripts: missense variant (2).
Genome position (GRCh38, 1-based): chr1:10,303,827, G>A. VCF-style: chr1-10303827-G-A. GRCh37 (hg19) VCF-style: chr1-10363885-G-A.
Other names: c.2642G>A, p.Gly881Asp (NM_001365953.1, NM_183416.4); c.1977+6581G>A (NM_015074.3); c.2115+6581G>A (NM_001365952.1); short protein forms G881D.
Identifiers: ClinVar variation 1284949 (VCV001284949.33), dbSNP rs41274460, ClinGen allele CA581282.

ClinVar aggregate classification (germline): Conflicting classifications of pathogenicity. Review status: criteria provided, conflicting classifications (1 of 4 stars). 8 submissions from 8 submitters: Uncertain significance (1); Likely benign (4). 3 of the submissions do not count toward it. Last evaluated 2025-07-01.

Conditions:
Charcot-Marie-Tooth disease type 2A1. Also called: CHARCOT-MARIE-TOOTH DISEASE, AXONAL, TYPE 2A1; CHARCOT-MARIE-TOOTH DISEASE, AXONAL, AUTOSOMAL DOMINANT, TYPE 2A1; CHARCOT-MARIE-TOOTH DISEASE, NEURONAL, TYPE 2A1; CHARCOT-MARIE-TOOTH NEUROPATHY, TYPE 2A1; HEREDITARY MOTOR AND SENSORY NEUROPATHY IIA1. Identifiers: Orphanet 99946, MedGen C1861678, MONDO:0007308, OMIM 118210.
Neuroblastoma, susceptibility to, 1. Identifiers: MedGen C2749485, MONDO:0009741, OMIM 256700.

Allele frequency attached by ClinVar (database versions not stated): 1000 Genomes Project 0.00020; 1000 Genomes Project 30x 0.00047; gnomAD exomes 0.00078; ExAC 0.00084; TOPMed 0.00085; gnomAD 0.00086 and 0.00089; ESP Exome Variant Server 0.00123.
gnomAD v4.1: 2,110 of 1,614,192 alleles (0.13%); highest among the groups gnomAD compares: Non-Finnish European, 0.17%; 3 homozygotes.

Submissions (8):

CeGaT Center for Human Genetics Tuebingen
Classification: Likely benign. Last evaluated: 2025-07-01. Review status: criteria provided, single submitter. Criteria: CeGaT Center For Human Genetics Tuebingen Variant Classification Criteria Version 2. Collection method: clinical testing. Allele origin: germline. Affected: yes. Observed: 5 variant alleles.
Comment: KIF1B: BP4, BS1

ARUP Laboratories, Molecular Genetics and Genomics, ARUP Laboratories
Classification: Likely benign. Last evaluated: 2025-05-15. Review status: criteria provided, single submitter. Criteria: ARUP Molecular Germline Variant Investigation Process 2024. Collection method: clinical testing. Allele origin: germline.

Blueprint Genetics
Classification: Likely benign. Last evaluated: 2024-04-22. Review status: criteria provided, single submitter. Criteria: ACMG Guidelines, 2015. Collection method: clinical testing. Allele origin: germline.

Department of Pathology and Laboratory Medicine, Sinai Health System
Classification: Likely benign for Charcot-Marie-Tooth disease type 2A1; Neuroblastoma, susceptibility to, 1. Last evaluated: 2023-08-23. Review status: criteria provided, single submitter. Criteria: ACMG Guidelines, 2015. Collection method: research. Allele origin: germline.

Institute for Clinical Genetics, University Hospital TU Dresden, University Hospital TU Dresden
Classification: Uncertain significance. Last evaluated: 2021-11-03. Review status: criteria provided, single submitter. Criteria: ACMG Guidelines, 2015. Collection method: clinical testing. Allele origin: germline.

Clinical Genetics DNA and cytogenetics Diagnostics Lab, Erasmus MC, Erasmus Medical Center
Classification: Likely benign. Review status: no assertion criteria provided. Collection method: clinical testing. Allele origin: germline. Affected: yes. Study: VKGL Data-share Consensus. Not counted in ClinVar's aggregate classification.

Clinical Genetics, Academic Medical Center
Classification: Likely benign. Review status: no assertion criteria provided. Collection method: clinical testing. Allele origin: germline. Affected: yes. Study: VKGL Data-share Consensus. Not counted in ClinVar's aggregate classification.

Genome Diagnostics Laboratory, University Medical Center Utrecht
Classification: Likely benign. Review status: no assertion criteria provided. Collection method: clinical testing. Allele origin: germline. Affected: yes. Study: VKGL Data-share Consensus. Not counted in ClinVar's aggregate classification.